The following is an entry in ClinVar:

NM_021120.4(DLG3):c.1748G>A (p.Arg583Lys)

Gene: DLG3 (discs large MAGUK scaffold protein 3; plus strand). Cytogenetic location: Xq13.1.
Variant type: single nucleotide variant.
Coding change: c.1748G>A on transcript NM_021120.4 (MANE Select); coding-DNA position 1748, G replaced by A.
Protein change: p.Arg583Lys; replaces arginine 583 with lysine.
Molecular consequence: missense variant.
Genome position (GRCh38, 1-based): chrX:70,492,571, G>A. VCF-style: chrX-70492571-G-A. GRCh37 (hg19) VCF-style: chrX-69712421-G-A.
Other names: c.299G>A, p.Arg100Lys (NM_001166278.2); c.737G>A, p.Arg246Lys (NM_020730.3); short protein forms R100K, R246K, R583K.
Identifiers: ClinVar variation 4083349 (VCV004083349.1).

ClinVar aggregate classification (germline): Uncertain significance (1 of 4 stars; one submission).

Submission:

GeneDx
Classification: Uncertain significance. Last evaluated: 2025-03-12. Review status: criteria provided, single submitter. Criteria: GeneDx Variant Classification Process June 2021. Collection method: clinical testing. Allele origin: germline. Affected: yes.
Comment: Not observed at significant frequency in large population cohorts (gnomAD); In silico analysis indicates that this missense variant does not alter protein structure/function; Has not been previously published as pathogenic or benign to our knowledge